The following is an entry in ClinVar:

NM_001142864.4(PIEZO1):c.2655C>T (p.Asn885=)

Genes: HSALR1 (HSP90AB1 associated lncRNA 1; plus strand), PIEZO1 (piezo type mechanosensitive ion channel component 1 (Er blood group); minus strand). Cytogenetic location: 16q24.3.
Variant type: single nucleotide variant.
Coding change: c.2655C>T on transcript NM_001142864.4 (MANE Select); coding-DNA position 2655, C replaced by T.
Protein change: p.Asn885=; no amino-acid change (asparagine 885 retained).
Molecular consequence: synonymous variant.
Genome position (GRCh38, 1-based): chr16:88,733,287, G>A on the plus strand (C>T on the coding strand, the complement: PIEZO1 is on the minus strand). VCF-style: chr16-88733287-G-A. GRCh37 (hg19) VCF-style: chr16-88799695-G-A.
Other names: p.Asn885=.
Identifiers: ClinVar variation 727261 (VCV000727261.19), dbSNP rs140224299, ClinGen allele CA8232741.

ClinVar aggregate classification (germline): Benign/Likely benign. Review status: criteria provided, multiple submitters, no conflicts (2 of 4 stars). 5 submissions from 5 submitters: Benign (2); Likely benign (3). Last evaluated 2026-01-18.

Allele frequency attached by ClinVar (database versions not stated): gnomAD exomes 0.00057; ExAC 0.00110; 1000 Genomes Project 30x 0.00219; 1000 Genomes Project 0.00220; gnomAD 0.00222 and 0.00242; TOPMed 0.00268.
gnomAD v4.1: 697 of 1,541,450 alleles (0.045%); highest among the groups gnomAD compares: African/African-American, 0.82%; 5 homozygotes.

Submissions (5):

Labcorp Genetics (formerly Invitae), Labcorp
Classification: Benign. Last evaluated: 2026-01-18. Review status: criteria provided, single submitter. Criteria: Invitae Variant Classification Sherloc (09022015). Collection method: clinical testing. Allele origin: germline.

Mayo Clinic Laboratories, Mayo Clinic
Classification: Likely benign. Last evaluated: 2025-09-18. Review status: criteria provided, single submitter. Criteria: ACMG Guidelines, 2015. Collection method: clinical testing. Allele origin: germline. Observed: 9 variant alleles.

CeGaT Center for Human Genetics Tuebingen
Classification: Likely benign. Last evaluated: 2025-03-01. Review status: criteria provided, single submitter. Criteria: CeGaT Center For Human Genetics Tuebingen Variant Classification Criteria Version 2. Collection method: clinical testing. Allele origin: germline. Affected: yes. Observed: 1 variant allele.
Comment: PIEZO1: BP4, BS2

Blueprint Genetics
Classification: Likely benign. Last evaluated: 2024-07-10. Review status: criteria provided, single submitter. Criteria: ACMG Guidelines, 2015. Collection method: clinical testing. Allele origin: germline.

ARUP Laboratories, Molecular Genetics and Genomics, ARUP Laboratories
Classification: Benign. Last evaluated: 2023-11-16. Review status: criteria provided, single submitter. Criteria: ARUP Molecular Germline Variant Investigation Process 2024. Collection method: clinical testing. Allele origin: germline.